The following is an entry in ClinVar:

ClinVar aggregate classification (germline): Uncertain significance (1 of 4 stars; one submission).

Conditions:
Hereditary cancer-predisposing syndrome. Also called: Neoplastic Syndromes, Hereditary; Tumor predisposition; Hereditary neoplastic syndrome; Hereditary Cancer Syndrome. Identifiers: Orphanet 140162, MedGen C0027672, MeSH D009386, MONDO:0015356.

Submission:

Ambry Genetics
Classification: Uncertain significance for Hereditary cancer-predisposing syndrome. Last evaluated: 2026-08-28. Review status: criteria provided, single submitter. Criteria: Ambry Variant Classification Scheme 2023. Collection method: clinical testing. Allele origin: germline.
Comment: The p.D605V variant (also known as c.1814A>T), located in coding exon 14 of the SDHA gene, results from an A to T substitution at nucleotide position 1814. The aspartic acid at codon 605 is replaced by valine, an amino acid with highly dissimilar properties. This amino acid position is conserved. In addition, this alteration is predicted to be deleterious by in silico analysis. Based on the available evidence, the clinical significance of this variant remains unclear.

NM_004168.4(SDHA):c.1814A>T (p.Asp605Val)

Gene: SDHA (succinate dehydrogenase complex flavoprotein subunit A; plus strand). Cytogenetic location: 5p15.33.
Variant type: single nucleotide variant.
Coding change: c.1814A>T on transcript NM_004168.4 (MANE Select); coding-DNA position 1814, A replaced by T.
Protein change: p.Asp605Val; replaces aspartic acid 605 with valine.
Molecular consequence: missense variant.
Genome position (GRCh38, 1-based): chr5:254,412, A>T. VCF-style: chr5-254412-A-T. GRCh37 (hg19) VCF-style: chr5-254527-A-T.
Other names: c.1670A>T, p.Asp557Val (NM_001294332.2); c.1571A>T, p.Asp524Val (NM_001330758.2); short protein forms D557V, D524V, D605V.
Identifiers: ClinVar variation 5029209 (VCV005029209.1).